The following is an entry in ClinVar:

NM_000051.4(ATM):c.8737G>C (p.Asp2913His)

Genes: ATM (ATM serine/threonine kinase; plus strand), C11orf65 (chromosome 11 open reading frame 65; minus strand). Cytogenetic location: 11q22.3.
Variant type: single nucleotide variant.
Coding change: c.8737G>C on transcript NM_000051.4 (MANE Select); coding-DNA position 8737, G replaced by C.
Protein change: p.Asp2913His; replaces aspartic acid 2913 with histidine.
Molecular consequence: missense variant. On other transcripts: intron variant (2).
Genome position (GRCh38, 1-based): chr11:108,353,831, G>C. VCF-style: chr11-108353831-G-C. GRCh37 (hg19) VCF-style: chr11-108224558-G-C.
Other names: c.8737G>C, p.Asp2913His (NM_001351834.2); c.640+32089C>G (NM_001330368.2); c.695-18539C>G (NM_001351110.2); short protein forms D2913H.
Identifiers: ClinVar variation 231464 (VCV000231464.16), dbSNP rs756899044, ClinGen allele CA6266430.
Genomic context (GRCh38, chr11:108,353,831, plus strand): 5'-GCTTTTGAACAGGGCAAAATCCTTCCTACTCCTGAGACAGTTCCTTTTAGACTCACCAGA[G>C]ATATTGTGGATGGCATGGGCATTACGGGTGTTGAAGGTGTCTTCAGAAGGTAAGTGATAT-3'
Protein context (NP_000042.3, residues 2903-2923): PETVPFRLTR[Asp2913His]IVDGMGITGV

ClinVar aggregate classification (germline): Uncertain significance. Review status: criteria provided, multiple submitters, no conflicts (2 of 4 stars). 6 submissions from 6 submitters: Uncertain significance (6). Last evaluated 2025-12-23.

Conditions:
Hereditary cancer-predisposing syndrome. Also called: Neoplastic Syndromes, Hereditary; Hereditary neoplastic syndrome; Tumor predisposition; Hereditary Cancer Syndrome. Identifiers: Orphanet 140162, MedGen C0027672, MeSH D009386, MONDO:0015356.
Familial cancer of breast. Also called: hereditary breast carcinoma; Hereditary breast cancer; BREAST CANCER, FAMILIAL. Identifiers: Orphanet 227535, MedGen C0346153, MONDO:0016419, OMIM 114480. Disease mechanism: loss of function.
Ataxia-telangiectasia syndrome (AT). Also called: Ataxia telangiectasia (A-T); Cerebello-oculocutaneous telangiectasia; Immunodeficiency with ataxia telangiectasia; LOUIS-BAR SYNDROME; AT, COMPLEMENTATION GROUP C; ATAXIA-TELANGIECTASIA, FRESNO VARIANT. Identifiers: Orphanet 100, MedGen C0004135, MONDO:0008840, OMIM 208900.

Allele frequency attached by ClinVar (database versions not stated): gnomAD exomes below 0.00001; ExAC 0.00001.
gnomAD v4.1: 6 of 1,614,094 alleles (0.00037%); highest among the groups gnomAD compares: Non-Finnish European, 0.00051%; no homozygotes.

Submissions (6):

Labcorp Genetics (formerly Invitae), Labcorp
Classification: Uncertain significance for Ataxia-telangiectasia syndrome. Last evaluated: 2025-12-23. Review status: criteria provided, single submitter. Criteria: Invitae Variant Classification Sherloc (09022015). Collection method: clinical testing. Allele origin: germline.
Comment: This sequence change replaces aspartic acid, which is acidic and polar, with histidine, which is basic and polar, at codon 2913 of the ATM protein (p.Asp2913His). This variant is present in population databases (rs756899044, gnomAD 0.0009%). This missense change has been observed in individual(s) with prostate cancer (PMID: 33436325). ClinVar contains an entry for this variant (Variation ID: 231464). Invitae Evidence Modeling of protein sequence and biophysical properties (such as structural, functional, and spatial information, amino acid conservation, physicochemical variation, residue mobility, and thermodynamic stability) indicates that this missense variant is expected to disrupt ATM protein function with a positive predictive value of 95%. This variant disrupts the p.Asp2913 amino acid residue in ATM. Other variant(s) that disrupt this residue have been determined to be pathogenic (PMID: 21665257, 22071889). This suggests that this residue is clinically significant, and that variants that disrupt this residue are likely to be disease-causing. In summary, the available evidence is currently insufficient to determine the role of this variant in disease. Therefore, it has been classified as a Variant of Uncertain Significance.

Women's Health and Genetics/Laboratory Corporation of America, LabCorp
Classification: Uncertain significance. Last evaluated: 2025-06-26. Review status: criteria provided, single submitter. Criteria: LabCorp Variant Classification Summary - May 2015. Collection method: clinical testing. Allele origin: germline.
Comment: Variant summary: ATM c.8737G>C (p.Asp2913His) results in a non-conservative amino acid change in the encoded protein sequence. Algorithms developed to predict the effect of missense changes on protein structure and function all suggest that this variant is likely to be disruptive. The variant allele was found at a frequency of 4e-06 in 251460 control chromosomes. The available data on variant occurrences in the general population are insufficient to allow any conclusion about variant significance. c.8737G>C has been observed in at least one individual affected with Prostate Cancer (Karlsson_2021). These report(s) do not provide unequivocal conclusions about association of the variant with Prostate Cancer. A different variant affecting the same codon has been classified as likely pathogenic by our lab (c.8737G>T, p.Asp2913Tyr), supporting the critical relevance of codon 2913 to ATM protein function. To our knowledge, no experimental evidence demonstrating an impact on protein function has been reported. The following publication have been ascertained in the context of this evaluation (PMID: 33436325). ClinVar contains an entry for this variant (Variation ID: 231464). Based on the evidence outlined above, the variant was classified as uncertain significance.

Ambry Genetics
Classification: Uncertain significance for Hereditary cancer-predisposing syndrome. Last evaluated: 2024-01-22. Review status: criteria provided, single submitter. Criteria: Ambry Variant Classification Scheme 2023. Collection method: clinical testing. Allele origin: germline.
Comment: The p.D2913H variant (also known as c.8737G>C), located in coding exon 59 of the ATM gene, results from a G to C substitution at nucleotide position 8737. The aspartic acid at codon 2913 is replaced by histidine, an amino acid with similar properties. A different alteration at this position, p.D2913Y, has been reported in multiple individuals with a clinical diagnosis of ataxia-telangiectasia in both homozygous and compound heterozygous states (Micol R et al. J. Allergy Clin. Immunol. 2011 Aug;128:382-9). Cell lines from an individual with ataxia telangiectasia who was heterozygous for p.D2913Y along with a second alteration in ATM, exhibited decreased response to ionizing radiation, decreased ATM protein expression, and abnormal cellular localization (Jacquemin V et al. Eur. J. Hum. Genet. 2012 Mar;20:305-12). This amino acid position is highly conserved in available vertebrate species. In addition, this alteration is predicted to be deleterious by in silico analysis. Since supporting evidence is limited at this time, the clinical significance of this alteration remains unclear.

GeneDx
Classification: Uncertain significance. Last evaluated: 2023-12-28. Review status: criteria provided, single submitter. Criteria: GeneDx Variant Classification Process June 2021. Collection method: clinical testing. Allele origin: germline. Affected: yes.
Comment: Not observed at significant frequency in large population cohorts (gnomAD); In silico analysis supports that this missense variant has a deleterious effect on protein structure/function; This variant is associated with the following publications: (PMID: 33436325, 28652578, 23532176)

Baylor Genetics
Classification: Uncertain significance for Familial cancer of breast. Last evaluated: 2023-09-26. Review status: criteria provided, single submitter. Criteria: ACMG Guidelines, 2015. Collection method: clinical testing. Allele origin: unknown.

Quest Diagnostics Nichols Institute San Juan Capistrano
Classification: Uncertain significance. Last evaluated: 2021-06-29. Review status: criteria provided, single submitter. Criteria: Quest Diagnostics criteria. Collection method: clinical testing. Allele origin: unknown.

Literature cited by the submitters: PubMed 33436325 (cited by Labcorp Genetics (formerly Invitae), Labcorp and Women's Health and Genetics/Laboratory Corporation of America, LabCorp); PubMed 21665257 (cited by Labcorp Genetics (formerly Invitae), Labcorp and Quest Diagnostics Nichols Institute San Juan Capistrano); PubMed 22071889 (cited by Labcorp Genetics (formerly Invitae), Labcorp and Quest Diagnostics Nichols Institute San Juan Capistrano); PubMed 28652578 (cited by Quest Diagnostics Nichols Institute San Juan Capistrano).